The following is an entry in ClinVar:

ClinVar aggregate classification (germline): Uncertain significance (1 of 4 stars; one submission).

Submission:

Labcorp Genetics (formerly Invitae), Labcorp
Classification: Uncertain significance. Last evaluated: 2025-01-20. Review status: criteria provided, single submitter. Criteria: Invitae Variant Classification Sherloc (09022015). Collection method: clinical testing. Allele origin: germline.
Comment: This sequence change creates a premature translational stop signal (p.Ser1444*) in the TOP2B gene. It is expected to result in an absent or disrupted protein product. However, the current clinical and genetic evidence is not sufficient to establish whether loss-of-function variants in TOP2B cause disease. This variant is not present in population databases (gnomAD no frequency). This variant has not been reported in the literature in individuals affected with TOP2B-related conditions. ClinVar contains an entry for this variant (Variation ID: 2816974). Algorithms developed to predict the effect of sequence changes on RNA splicing suggest that this variant may disrupt the consensus splice site. In summary, the available evidence is currently insufficient to determine the role of this variant in disease. Therefore, it has been classified as a Variant of Uncertain Significance.

NM_001330700.2(TOP2B):c.4346C>A (p.Ser1449Ter)

Gene: TOP2B (DNA topoisomerase II beta; minus strand). Cytogenetic location: 3p24.2.
Variant type: single nucleotide variant.
Coding change: c.4346C>A on transcript NM_001330700.2 (MANE Select); coding-DNA position 4346, C replaced by A.
Protein change: p.Ser1449Ter; replaces serine 1449 with a stop codon.
Molecular consequence: nonsense.
Genome position (GRCh38, 1-based): chr3:25,606,075, G>T on the plus strand (C>A on the coding strand, the complement: TOP2B is on the minus strand). VCF-style: chr3-25606075-G-T. GRCh37 (hg19) VCF-style: chr3-25647566-G-T.
Other names: c.4331C>A, p.Ser1444Ter (NM_001068.3); short protein forms S1444*, S1449*.
Identifiers: ClinVar variation 2816974 (VCV002816974.3), dbSNP rs1290694927, ClinGen allele CA351892117.